The following is an entry in ClinVar:

NM_020975.6(RET):c.648C>T (p.Cys216=)

Gene: RET (ret proto-oncogene; plus strand). Cytogenetic location: 10q11.21.
Variant type: single nucleotide variant.
Coding change: c.648C>T on transcript NM_020975.6 (MANE Select); coding-DNA position 648, C replaced by T.
Protein change: p.Cys216=; no amino-acid change (cysteine 216 retained).
Molecular consequence: synonymous variant. On other transcripts: 5 prime UTR variant (1), intron variant (22).
Genome position (GRCh38, 1-based): chr10:43,104,974, C>T. VCF-style: chr10-43104974-C-T. GRCh37 (hg19) VCF-style: chr10-43600422-C-T.
Other names: c.-115C>T (NM_001355216.2); c.648C>T, p.Cys216= (NM_001406743.1, NM_001406744.1, NM_001406759.1 and 6 more transcripts); c.519C>T, p.Cys173= (NM_001406761.1, NM_001406762.1, NM_001406764.1 and 2 more transcripts); c.360C>T, p.Cys120= (NM_001406766.1, NM_001406767.1, NM_001406770.1); c.625+2345C>T (NM_001406773.1, NM_001406771.1, NM_001406782.1 and 5 more transcripts); c.496+2345C>T (NM_001406786.1, NM_001406783.1); c.338-4057C>T (NM_001406778.1, NM_001406775.1, NM_001406776.1 and 1 more transcripts); c.337+4252C>T (NM_001406790.1, NM_001406788.1, NM_001406789.1 and 1 more transcripts); and 2 more.
Identifiers: ClinVar variation 3387588 (VCV003387588.3).
Genomic context (GRCh38, chr10:43,104,974, plus strand): 5'-TGGTGATCACGCGGGGCCCCTGTCTGCTTGGTGCGCAGGTGAGGGTCTGCCCTTCCGCTG[C>T]GCCCCGGACAGCCTGGAGGTGAGCACGCGCTGGGCCCTGGACCGCGAGCAGCGGGAGAAG-3'
Protein context (NP_066124.1, residues 206-226): LLEGEGLPFR[Cys216=]APDSLEVSTR

ClinVar aggregate classification (germline): Likely benign. Review status: criteria provided, multiple submitters, no conflicts (2 of 4 stars). 3 submissions from 3 submitters: Likely benign (3). Last evaluated 2025-06-24.

Conditions:
Multiple endocrine neoplasia, type 2 (MEN2). Identifiers: Orphanet 653, MedGen C4048306, MONDO:0019003. Disease mechanism: gain of function.
Hereditary cancer-predisposing syndrome. Also called: Neoplastic Syndromes, Hereditary; Hereditary Cancer Syndrome; Tumor predisposition; Hereditary neoplastic syndrome. Identifiers: Orphanet 140162, MedGen C0027672, MeSH D009386, MONDO:0015356.

gnomAD v4.1: 1 of 1,574,370 alleles (0.000064%); highest among the groups gnomAD compares: Non-Finnish European, 0.000086%; no homozygotes.

Submissions (3):

Labcorp Genetics (formerly Invitae), Labcorp
Classification: Likely benign for Multiple endocrine neoplasia, type 2. Last evaluated: 2025-06-24. Review status: criteria provided, single submitter. Criteria: Invitae Variant Classification Sherloc (09022015). Collection method: clinical testing. Allele origin: germline.

Ambry Genetics
Classification: Likely benign for Hereditary cancer-predisposing syndrome. Last evaluated: 2024-09-16. Review status: criteria provided, single submitter. Criteria: Ambry Variant Classification Scheme 2023. Collection method: clinical testing. Allele origin: germline.

All of Us Research Program, National Institutes of Health
Classification: Likely benign for Multiple endocrine neoplasia, type 2. Last evaluated: 2024-04-16. Review status: criteria provided, single submitter. Criteria: ACMG Guidelines, 2015. Collection method: clinical testing. Allele origin: germline. Inheritance: Autosomal dominant inheritance. Observed: 1 variant allele, 1 heterozygote.
Comment: This study involves interpretation of variants in research participants for the purpose of population health screening. Participant phenotype was not available at the time of variant classification. Additional details can be found in publication PMID: 35346344, PMCID: PMC8962531